The following is an entry in ClinVar:

ClinVar aggregate classification (germline): Pathogenic (3 of 4 stars; one submission).

Conditions:
Phenylketonuria (PKU). Also called: FOLLING DISEASE; Phenylketonuria (PKU); OLIGOPHRENIA PHENYLPYRUVICA; Phenylketonurias. Identifiers: Orphanet 716, MedGen C0031485, MONDO:0009861, OMIM 261600. Disease mechanism: loss of function.

Submission:

ClinGen PAH Variant Curation Expert Panel
Classification: Pathogenic for Phenylketonuria. Last evaluated: 2019-08-12. Review status: reviewed by expert panel. Criteria: ClinGen PAH ACMG Specifications v1. Collection method: curation. Allele origin: germline. Inheritance: Autosomal recessive inheritance.
Comment: The PAH: c.43_44insAG variant is a frameshift variant occurring in exon 1 of 13 in the canonical transcript of PAH, a gene fulfilling the most recent criteria for LOF being a known disease mechanism (see PMID: 30192042) (PVS1). BH4 deficiency does not appear to have been formally excluded by biochemical or genetic testing (PP4). It is absent from control databases including ethnically matched individuals, including gnomAD/ExAC, 1000 Genomes, and ESP (PM2).

Literature cited by the submitters: PubMed 22513348.

NM_000277.3(PAH):c.43_44insAG (p.Leu15fs)

Gene: PAH (phenylalanine hydroxylase; minus strand). Cytogenetic location: 12q23.2.
Variant type: Insertion.
Coding change: c.43_44insAG on transcript NM_000277.3 (MANE Select); coding-DNA positions 43 to 44, AG inserted.
Protein change: p.Leu15fs; shifts the reading frame from leucine 15.
Molecular consequence: frameshift variant.
Genome position: GRCh38 VCF-style: chr12-102917087-A-ACT. GRCh37 (hg19) VCF-style: chr12-103310865-A-ACT.
Other names: c.43_44insAG, p.Leu15fs (NM_001354304.2); short protein forms L15fs.
Identifiers: ClinVar variation 805801 (VCV000805801.1), dbSNP rs1592991196, ClinGen allele CA16020716.
Genomic context (GRCh38, chr12:102,917,087, plus strand): 5'-GCCCAAATTCCCCTAACTGAGCAGCTCAGGCTGCCGTGGCTCACCTGTCCAAAGTCAGAG[A>ACT]GTTTCCTGCCCAAGCCTGGGTTTTCCAGGACCGCAGTGGACATGCTGGCTCCCCGGGAGT-3'